The following is an entry in ClinVar:

NM_000069.3(CACNA1S):c.1333A>C (p.Asn445His)

Gene: CACNA1S (calcium voltage-gated channel subunit alpha1 S; minus strand). Cytogenetic location: 1q32.1.
Variant type: single nucleotide variant.
Coding change: c.1333A>C on transcript NM_000069.3 (MANE Select); coding-DNA position 1333, A replaced by C.
Protein change: p.Asn445His; replaces asparagine 445 with histidine.
Molecular consequence: missense variant.
Genome position (GRCh38, 1-based): chr1:201,083,222, T>G on the plus strand (A>C on the coding strand, the complement: CACNA1S is on the minus strand). VCF-style: chr1-201083222-T-G. GRCh37 (hg19) VCF-style: chr1-201052350-T-G.
Other names: short protein forms N445H.
Identifiers: ClinVar variation 3075243 (VCV003075243.1), dbSNP rs990388342, ClinGen allele CA344125485.
Genomic context (GRCh38, chr1:201,083,222, plus strand): 5'-CTTGCAAACGGGTCAGCCAGAGAGGCTGGTTGTGGTGCTCTGAGGCGATAGACAGGGTGT[T>G]GAGGGCAACGATGAGAATCACCAGCCAATAGAAGACCTTGGACTTCACGATGTCATGGCA-3'
Protein context (NP_000060.2, residues 435-455): YWLVILIVAL[Asn445His]TLSIASEHHN

ClinVar aggregate classification (germline): Uncertain significance (1 of 4 stars; one submission).

Conditions:
Malignant hyperthermia, susceptibility to, 5 (MHS5). Also called: CACNA1S-Related Malignant Hyperthermia Susceptibility. Identifiers: Orphanet 423, MedGen C1866077, MONDO:0011163, OMIM 601887.

Submission:

All of Us Research Program, National Institutes of Health
Classification: Uncertain significance for Malignant hyperthermia, susceptibility to, 5. Last evaluated: 2024-01-03. Review status: criteria provided, single submitter. Criteria: ACMG Guidelines, 2015. Collection method: clinical testing. Allele origin: germline. Inheritance: Autosomal dominant inheritance. Observed: 1 variant allele, 1 heterozygote.
Comment: This missense variant replaces asparagine with histidine at codon 445 of the CACNA1S protein. Computational prediction suggests that this variant may have deleterious impact on protein structure and function (internally defined REVEL score threshold >= 0.7, PMID: 27666373). To our knowledge, functional studies have not been reported for this variant. This variant has not been reported in individuals affected with CACNA1S-related disorders in the literature. This variant has not been identified in the general population by the Genome Aggregation Database (gnomAD). The available evidence is insufficient to determine the role of this variant in disease conclusively. Therefore, this variant is classified as a Variant of Uncertain Significance.

This study involves interpretation of variants in research participants for the purpose of population health screening. Participant phenotype was not available at the time of variant classification. Additional details can be found in publication PMID: 35346344, PMCID: PMC8962531